The following is an entry in ClinVar:

ClinVar aggregate classification (germline): Uncertain significance. Review status: criteria provided, multiple submitters, no conflicts (2 of 4 stars). 4 submissions from 4 submitters: Uncertain significance (3). 1 of the submissions does not count toward it. Last evaluated 2025-12-16.

Conditions:
Inborn genetic diseases. Identifiers: MedGen C0950123, MeSH D030342.
Smith-Lemli-Opitz syndrome (SLOS). Also called: POLYDACTYLY, SEX REVERSAL, RENAL HYPOPLASIA, AND UNILOBAR LUNG; RSH SYNDROME; RUTLEDGE LETHAL MULTIPLE CONGENITAL ANOMALY SYNDROME; LETHAL ACRODYSGENITAL SYNDROME; 7-Dehydrocholesterol reductase deficiency. Identifiers: Orphanet 818, MedGen C0175694, MONDO:0010035, OMIM 270400.

Allele frequency attached by ClinVar (database versions not stated): gnomAD 0.00003; TOPMed 0.00004; gnomAD exomes below 0.00001.
gnomAD v4.1: 7 of 1,611,122 alleles (0.00043%); highest among the groups gnomAD compares: African/African-American, 0.008%; no homozygotes.

Submissions (4):

Ambry Genetics
Classification: Uncertain significance for Inborn genetic diseases. Last evaluated: 2025-12-16. Review status: criteria provided, single submitter. Criteria: Ambry Variant Classification Scheme 2023. Collection method: clinical testing. Allele origin: germline.

Fulgent Genetics
Classification: Uncertain significance for Smith-Lemli-Opitz syndrome. Last evaluated: 2021-07-19. Review status: criteria provided, single submitter. Criteria: ACMG Guidelines, 2015. Collection method: clinical testing. Allele origin: unknown.

GeneDx
Classification: Uncertain significance. Last evaluated: 2016-12-29. Review status: criteria provided, single submitter. Criteria: GeneDx Variant Classification (06012015). Collection method: clinical testing. Allele origin: germline. Affected: yes.
Comment: A variant of uncertain significance has been identified in the DHCR7 gene. The G423S variant has not been published as a pathogenic variant, nor has it been reported as a benign variant to our knowledge. The G423S variant is not observed large population cohorts (Lek et al., 2016; 1000 Genomes Consortium et al., 2015; Exome Variant Server). The G423S variant is a non-conservative amino acid substitution, which is likely to impact secondary protein structure as these residues differ in polarity, charge, size and/or other properties. Additionally, this substitution occurs at a position that is conserved across species, and in silico analysis predicts this variant is probably damaging to the protein structure/function. Furthermore, missense variants in nearby residues (G424C, H426P) have been reported in the Human Gene Mutation Database in association with Smith-Lemli-Opitz syndrome (Stenson et al., 2014). Based on the currently available information, it is unclear whether this variant is a pathogenic variant or a rare benign variant.

Natera, Inc.
Classification: Uncertain significance for Smith-Lemli-Opitz syndrome. Last evaluated: 2020-09-16. Review status: no assertion criteria provided. Collection method: clinical testing. Allele origin: germline. Not counted in ClinVar's aggregate classification.

NM_001360.3(DHCR7):c.1267G>A (p.Gly423Ser)

Gene: DHCR7 (7-dehydrocholesterol reductase; minus strand). Cytogenetic location: 11q13.4.
Variant type: single nucleotide variant.
Coding change: c.1267G>A on transcript NM_001360.3 (MANE Select); coding-DNA position 1267, G replaced by A.
Protein change: p.Gly423Ser; replaces glycine 423 with serine.
Molecular consequence: missense variant.
Genome position (GRCh38, 1-based): chr11:71,435,536, C>T on the plus strand (G>A on the coding strand, the complement: DHCR7 is on the minus strand). VCF-style: chr11-71435536-C-T. GRCh37 (hg19) VCF-style: chr11-71146582-C-T.
Other names: c.1267G>A, p.Gly423Ser (NM_001163817.2); short protein forms G423S.
Identifiers: ClinVar variation 422957 (VCV000422957.5), dbSNP rs902179640, ClinGen allele CA16619401.